The following is an entry in ClinVar:

NM_001365276.2(TNXB):c.9409G>A (p.Val3137Ile)

Gene: TNXB (tenascin XB; minus strand). Cytogenetic location: 6p21.33.
Variant type: single nucleotide variant.
Coding change: c.9409G>A on transcript NM_001365276.2 (MANE Select); coding-DNA position 9409, G replaced by A.
Protein change: p.Val3137Ile; replaces valine 3137 with isoleucine.
Molecular consequence: missense variant.
Genome position (GRCh38, 1-based): chr6:32,050,028, C>T on the plus strand (G>A on the coding strand, the complement: TNXB is on the minus strand). VCF-style: chr6-32050028-C-T. GRCh37 (hg19) VCF-style: chr6-32017805-C-T.
Other names: c.9403G>A, p.Val3135Ile (NM_019105.8); short protein forms V3135I, V3137I.
Identifiers: ClinVar variation 1766864 (VCV001766864.4), dbSNP rs761996564, ClinGen allele CA3733546.

ClinVar aggregate classification (germline): Uncertain significance. Review status: criteria provided, multiple submitters, no conflicts (2 of 4 stars). 2 submissions from 2 submitters: Uncertain significance (2). Last evaluated 2025-04-14.

Conditions:
Cardiovascular phenotype. Identifiers: MedGen CN230736.

Allele frequency attached by ClinVar (database versions not stated): gnomAD 0.00003; TOPMed 0.00006; gnomAD exomes 0.00002; ExAC 0.00004.
gnomAD v4.1: 32 of 1,613,714 alleles (0.002%); highest among the groups gnomAD compares: African/African-American, 0.011%; no homozygotes.

Submissions (2):

Women's Health and Genetics/Laboratory Corporation of America, LabCorp
Classification: Uncertain significance. Last evaluated: 2025-04-14. Review status: criteria provided, single submitter. Criteria: LabCorp Variant Classification Summary - May 2015. Collection method: clinical testing. Allele origin: germline.
Comment: Variant summary: TNXB c.9403G>A (p.Val3135Ile) results in a conservative amino acid change in the encoded protein sequence. Five of five in-silico tools predict a benign effect of the variant on protein function. The variant allele was found at a frequency of 4.1e-05 in 246456 control chromosomes. This frequency is not significantly higher than estimated for a pathogenic variant in TNXB causing Ehlers-Danlos syndrome due to tenascin-X deficiency (4.1e-05 vs 0.0011), allowing no conclusion about variant significance. To our knowledge, no occurrence of c.9403G>A in individuals affected with Ehlers-Danlos syndrome due to tenascin-X deficiency and no experimental evidence demonstrating its impact on protein function have been reported. ClinVar contains an entry for this variant (Variation ID: 1766864). Based on the evidence outlined above, the variant was classified as uncertain significance.

Ambry Genetics
Classification: Uncertain significance for Cardiovascular phenotype. Last evaluated: 2024-02-26. Review status: criteria provided, single submitter. Criteria: Ambry Variant Classification Scheme 2023. Collection method: clinical testing. Allele origin: germline.